The following is an entry in ClinVar:

NM_003119.4(SPG7):c.620G>A (p.Arg207Gln)

Gene: SPG7 (SPG7 matrix AAA peptidase subunit, paraplegin; plus strand). Cytogenetic location: 16q24.3.
Variant type: single nucleotide variant.
Coding change: c.620G>A on transcript NM_003119.4 (MANE Select); coding-DNA position 620, G replaced by A.
Protein change: p.Arg207Gln; replaces arginine 207 with glutamine.
Molecular consequence: missense variant.
Genome position (GRCh38, 1-based): chr16:89,526,330, G>A. VCF-style: chr16-89526330-G-A. GRCh37 (hg19) VCF-style: chr16-89592738-G-A.
Other names: c.620G>A, p.Arg207Gln (NM_001363850.1, NM_199367.3); short protein forms R207Q.
Identifiers: ClinVar variation 2903628 (VCV002903628.4), dbSNP rs1179653517, ClinGen allele CA397418134.

ClinVar aggregate classification (germline): Uncertain significance. Review status: criteria provided, multiple submitters, no conflicts (2 of 4 stars). 2 submissions from 2 submitters: Uncertain significance (2). Last evaluated 2025-10-14.

Conditions:
Hereditary spastic paraplegia 7 (SPG7). Also called: Spastic paraplegia 7; Hereditary spastic paraplegia Paraplegin type; Autosomal recessive spastic paraplegia type 7; SPG7-related neurologic disorder; SPASTIC PARAPLEGIA 7, AUTOSOMAL RECESSIVE, WITH OR WITHOUT CEREBELLAR ATAXIA. Identifiers: Orphanet 99013, MedGen C1846564, MONDO:0011803, OMIM 607259.

Allele frequency attached by ClinVar (database versions not stated): gnomAD exomes 0.00001.
gnomAD v4.1: 12 of 1,613,992 alleles (0.00074%); highest among the groups gnomAD compares: Middle Eastern, 0.033%; 1 homozygote.

Submissions (2):

Labcorp Genetics (formerly Invitae), Labcorp
Classification: Uncertain significance for Hereditary spastic paraplegia 7. Last evaluated: 2025-10-14. Review status: criteria provided, single submitter. Criteria: Invitae Variant Classification Sherloc (09022015). Collection method: clinical testing. Allele origin: germline.
Comment: This sequence change replaces arginine, which is basic and polar, with glutamine, which is neutral and polar, at codon 207 of the SPG7 protein (p.Arg207Gln). This variant is present in population databases (no rsID available, gnomAD 0.002%). This variant has not been reported in the literature in individuals affected with SPG7-related conditions. ClinVar contains an entry for this variant (Variation ID: 2903628). An algorithm developed to predict the effect of missense changes on protein structure and function (PolyPhen-2) suggests that this variant is likely to be disruptive. Algorithms developed to predict the effect of sequence changes on RNA splicing suggest that this variant may create or strengthen a splice site. In summary, the available evidence is currently insufficient to determine the role of this variant in disease. Therefore, it has been classified as a Variant of Uncertain Significance.

Blueprint Genetics
Classification: Uncertain significance. Last evaluated: 2024-10-13. Review status: criteria provided, single submitter. Criteria: ACMG Guidelines, 2015. Collection method: clinical testing. Allele origin: germline.